The following is an entry in ClinVar:

NM_201253.3(CRB1):c.3299T>C (p.Ile1100Thr)

Gene: CRB1 (crumbs cell polarity complex component 1; plus strand). Cytogenetic location: 1q31.3.
Variant type: single nucleotide variant.
Coding change: c.3299T>C on transcript NM_201253.3 (MANE Select); coding-DNA position 3299, T replaced by C.
Protein change: p.Ile1100Thr; replaces isoleucine 1100 with threonine.
Molecular consequence: missense variant. On other transcripts: non-coding transcript variant (2), intron variant (1).
Genome position (GRCh38, 1-based): chr1:197,435,162, T>C. VCF-style: chr1-197435162-T-C. GRCh37 (hg19) VCF-style: chr1-197404292-T-C.
Other names: c.2963T>C, p.Ile988Thr (NM_001193640.2); c.3227T>C, p.Ile1076Thr (NM_001257965.2); c.2129-438T>C (NM_001257966.2); short protein forms I1100T, I988T, I1076T.
Identifiers: ClinVar variation 99896 (VCV000099896.14), dbSNP rs62635659, ClinGen allele CA228035.

ClinVar aggregate classification (germline): Pathogenic/Likely pathogenic. Review status: criteria provided, multiple submitters, no conflicts (2 of 4 stars). 10 submissions from 8 submitters: Pathogenic (3); Likely pathogenic (5). 2 of the submissions do not count toward it. Last evaluated 2025-07-18.

Conditions:
CRB1-related disorder. Also called: CRB1-related condition; CRB1-related disorders.
Retinitis pigmentosa 12 (RP12). Also called: RP WITH OR WITHOUT PRESERVED PARAARTERIOLE RETINAL PIGMENT EPITHELIUM; RETINITIS PIGMENTOSA WITH OR WITHOUT PARAARTERIOLAR PRESERVATION OF RETINAL PIGMENT EPITHELIUM; RP WITH OR WITHOUT PPRPE. Identifiers: Orphanet 791, MedGen C1838647, MONDO:0010818, OMIM 600105.
Leber congenital amaurosis 8 (LCA8). Identifiers: Orphanet 65, MedGen C3151202, MONDO:0013453, OMIM 613835.
Leber congenital amaurosis (LCA). Also called: Leber's amaurosis. Identifiers: Orphanet 65, MedGen C0339527, MeSH D057130, MONDO:0018998.
Retinitis pigmentosa (RP). Identifiers: Orphanet 791, MedGen C0035334, MeSH D012174, MONDO:0019200, OMIM 268000. Inheritance: Autosomal dominant, autosomal recessive and X linked inheritance.
Pigmented paravenous retinochoroidal atrophy. Identifiers: Orphanet 251295, MedGen C1868310, MONDO:0008246, OMIM 172870.

Allele frequency attached by ClinVar (database versions not stated): gnomAD exomes below 0.00001; TOPMed below 0.00001.
gnomAD v4.1: 3 of 1,613,924 alleles (0.00019%); highest among the groups gnomAD compares: Non-Finnish European, 0.000085%; no homozygotes.

Submissions (10):

Natera, Inc.
Classification: Likely pathogenic for Leber congenital amaurosis. Last evaluated: 2025-07-18. Review status: criteria provided, single submitter. Criteria: Natera Variant Classification Schema (03/2026). Collection method: clinical testing. Allele origin: germline.
Comment: The c.3299T>C variant in CRB1 is a missense variant predicted to cause substitution of isoleucine to threonine at amino acid 1100. This variant is rare in the general population with a frequency below the threshold expected for the associated phenotype(s). This variant has been observed in one or more individuals affected with the associated recessive disease, as either homozygous or compound heterozygous with a second variant (PMID: 35119454, 23379534, 15459956). Computational prediction algorithms indicate this variant is likely to affect gene or protein function. Given the available evidence, this variant is classified as Likely Pathogenic.

Baylor Genetics
Classification: Pathogenic for Leber congenital amaurosis 8. Last evaluated: 2023-07-04. Review status: criteria provided, single submitter. Criteria: ACMG Guidelines, 2015. Collection method: clinical testing. Allele origin: unknown.

Genome-Nilou Lab
Classification: Likely pathogenic for Leber congenital amaurosis 8. Last evaluated: 2023-04-11. Review status: criteria provided, single submitter. Criteria: ACMG Guidelines, 2015. Collection method: clinical testing. Allele origin: germline. Affected: no.

Genome-Nilou Lab
Classification: Likely pathogenic for Pigmented paravenous retinochoroidal atrophy. Last evaluated: 2023-04-11. Review status: criteria provided, single submitter. Criteria: ACMG Guidelines, 2015. Collection method: clinical testing. Allele origin: germline. Affected: no.

Genome-Nilou Lab
Classification: Likely pathogenic for Retinitis pigmentosa 12. Last evaluated: 2023-04-11. Review status: criteria provided, single submitter. Criteria: ACMG Guidelines, 2015. Collection method: clinical testing. Allele origin: germline. Affected: no.

Labcorp Genetics (formerly Invitae), Labcorp
Classification: Pathogenic for Leber congenital amaurosis 8; Retinitis pigmentosa 12. Last evaluated: 2022-08-01. Review status: criteria provided, single submitter. Criteria: Invitae Variant Classification Sherloc (09022015). Collection method: clinical testing. Allele origin: germline.
Comment: For these reasons, this variant has been classified as Pathogenic. Advanced modeling of protein sequence and biophysical properties (such as structural, functional, and spatial information, amino acid conservation, physicochemical variation, residue mobility, and thermodynamic stability) performed at Invitae indicates that this missense variant is expected to disrupt CRB1 protein function. ClinVar contains an entry for this variant (Variation ID: 99896). This missense change has been observed in individual(s) with autosomal recessive retinitis pigmentosa and/or Leber congenital amaurosis (PMID: 12843338, 23379534). In at least one individual the data is consistent with being in trans (on the opposite chromosome) from a pathogenic variant. This variant is present in population databases (rs62635659, gnomAD 0.004%). This sequence change replaces isoleucine, which is neutral and non-polar, with threonine, which is neutral and polar, at codon 1100 of the CRB1 protein (p.Ile1100Thr).

Mendelics
Classification: Likely pathogenic for Pigmented paravenous retinochoroidal atrophy. Last evaluated: 2022-05-04. Review status: criteria provided, single submitter. Criteria: Mendelics Assertion Criteria 2019. Collection method: clinical testing. Allele origin: germline.

Blueprint Genetics
Classification: Pathogenic for CRB1-related disorders. Last evaluated: 2020-12-31. Review status: criteria provided, single submitter. Criteria: ACMG Guidelines, 2015. Collection method: clinical testing. Allele origin: germline. Affected: yes. Observed: 3 variant alleles.

Gen-Eye Clinic, Grow Research Laboratory, Narayana Nethralaya
Classification: Likely pathogenic for Retinitis pigmentosa. Last evaluated: 2024-10-14. Review status: no assertion criteria provided. Collection method: clinical testing. Allele origin: germline. Affected: yes. Not counted in ClinVar's aggregate classification.

Retina International
No classification provided. Review status: no classification provided. Collection method: not provided. Allele origin: not provided. Not counted in ClinVar's aggregate classification.

Literature cited by the submitters: PubMed 35119454 (cited by Natera, Inc.); PubMed 23379534 (cited by 3 submitters); PubMed 15459956 (cited by Natera, Inc.); PubMed 12843338 (cited by Labcorp Genetics (formerly Invitae), Labcorp and Gen-Eye Clinic, Grow Research Laboratory, Narayana Nethralaya).